The following is an entry in ClinVar:

NM_000059.4(BRCA2):c.2279_2283del (p.Leu759_Leu760insTer)

Gene: BRCA2 (BRCA2 DNA repair associated; plus strand). Cytogenetic location: 13q13.1.
Variant type: Deletion.
Coding change: c.2279_2283del on transcript NM_000059.4 (MANE Select); coding-DNA positions 2279 to 2283, 5 bases deleted (TATAT; older notation c.2279_2283delTATAT).
Protein change: p.Leu759_Leu760insTer.
Molecular consequence: nonsense.
Genome position (GRCh38, 1-based): chr13:32,336,634-32,336,638, TATAT deleted; deleting any 5 consecutive bases within chr13:32,336,633-32,336,638 gives the same sequence; the c. name uses the placement nearest the transcript's 3' end. VCF-style (leftmost placement, unchanged base first): chr13-32336632-TTTATA-T. GRCh37 (hg19) VCF-style: chr13-32910769-TTTATA-T.
Other names: c.2279_2283delTATAT (NM_000059.3).
Identifiers: ClinVar variation 254499 (VCV000254499.2), dbSNP rs770648856, ClinGen allele CA6940591.

ClinVar aggregate classification (germline): Pathogenic (3 of 4 stars; one submission).

Conditions:
Breast-ovarian cancer, familial, susceptibility to, 2 (BROVCA2). Also called: BRCA2 Hereditary Breast and Ovarian Cancer. Identifiers: Orphanet 145, MedGen C2675520, MONDO:0012933, OMIM 612555. Disease mechanism: loss of function.

Submission:

Evidence-based Network for the Interpretation of Germline Mutant Alleles (ENIGMA)
Classification: Pathogenic for Breast-ovarian cancer, familial, susceptibility to, 2. Last evaluated: 2016-09-08. Review status: reviewed by expert panel. Criteria: ENIGMA BRCA1/2 Classification Criteria (2015). Collection method: curation. Allele origin: germline.
Comment: Variant allele predicted to encode a truncated non-functional protein.